The following is an entry in ClinVar:

NM_016222.4(DDX41):c.572C>A (p.Ala191Asp)

Gene: DDX41 (DEAD-box helicase 41; minus strand). Cytogenetic location: 5q35.3.
Variant type: single nucleotide variant.
Coding change: c.572C>A on transcript NM_016222.4 (MANE Select); coding-DNA position 572, C replaced by A.
Protein change: p.Ala191Asp; replaces alanine 191 with aspartic acid.
Molecular consequence: missense variant.
Genome position (GRCh38, 1-based): chr5:177,515,258, G>T on the plus strand (C>A on the coding strand, the complement: DDX41 is on the minus strand). VCF-style: chr5-177515258-G-T. GRCh37 (hg19) VCF-style: chr5-176942259-G-T.
Other names: c.194C>A, p.Ala65Asp (NM_001321732.2, NM_001321830.2); short protein forms A191D, A65D.
Identifiers: ClinVar variation 5035132 (VCV005035132.1).

ClinVar aggregate classification (germline): Uncertain significance (1 of 4 stars; one submission).

Conditions:
Inborn genetic diseases. Identifiers: MedGen C0950123, MeSH D030342.

Submission:

Ambry Genetics
Classification: Uncertain significance for Inborn genetic diseases. Last evaluated: 2026-07-13. Review status: criteria provided, single submitter. Criteria: Ambry Variant Classification Scheme 2023. Collection method: clinical testing. Allele origin: germline.
Comment: The p.A191D variant (also known as c.572C>A) is located in coding exon 7 of the DDX41 gene. The alanine at codon 191 is replaced by aspartic acid, an amino acid with dissimilar properties. This change occurs in the first base pair of coding exon 7. This amino acid position is highly conserved in available vertebrate species. In addition, this alteration is predicted to be tolerated by in silico analysis. Based on the available evidence, the clinical significance of this variant remains unclear.